The following is an entry in ClinVar:

ClinVar aggregate classification (germline): Likely benign (0 of 4 stars; one submission).

Conditions:
TBC1D1-related disorder. Also called: TBC1D1-related condition.

Allele frequency attached by ClinVar (database versions not stated): ESP Exome Variant Server 0.00008; gnomAD 0.00024; ExAC 0.00053; 1000 Genomes Project 30x 0.00109; 1000 Genomes Project 0.00120.
gnomAD v4.1: 270 of 1,612,890 alleles (0.017%); highest among the groups gnomAD compares: East Asian, 0.36%; 1 homozygote.

Submission:

PreventionGenetics, part of Exact Sciences
Classification: Likely benign for TBC1D1-related condition. Last evaluated: 2021-06-23. Review status: no assertion criteria provided. Collection method: clinical testing. Allele origin: germline.
Comment: This variant is classified as likely benign based on ACMG/AMP sequence variant interpretation guidelines (Richards et al. 2015 PMID: 25741868, with internal and published modifications).

NM_001396959.1(TBC1D1):c.1029C>T (p.Gly343=)

Genes: TBC1D1 (TBC1 domain family member 1; plus strand), LOC126807034 (BRD4-independent group 4 enhancer GRCh37_chr4:38021983-38023182; plus strand). Cytogenetic location: 4p14.
Variant type: single nucleotide variant.
Coding change: c.1029C>T on transcript NM_001396959.1 (MANE Select); coding-DNA position 1029, C replaced by T.
Protein change: p.Gly343=; no amino-acid change (glycine 343 retained).
Molecular consequence: synonymous variant.
Genome position (GRCh38, 1-based): chr4:38,020,647, C>T. VCF-style: chr4-38020647-C-T. GRCh37 (hg19) VCF-style: chr4-38022268-C-T.
Other names: c.1029C>T, p.Gly343= (NM_001253912.2, NM_015173.4).
Identifiers: ClinVar variation 3039736 (VCV003039736.2), dbSNP rs187837863, ClinGen allele CA2887602.
Genomic context (GRCh38, chr4:38,020,647, plus strand): 5'-GCAGGGCATCAGACACGTGGACCACTTTGGGTTTATCTGTCGGGAGTCTTCCGGAGGTGG[C>T]GGCTTTCATTTTGTCTGTTACGTGTTTCAGTGCACAAATGAGGCTCTGGTGAGAGAGGAC-3'
Protein context (NP_001383888.1, residues 333-353): GFICRESSGG[Gly343=]GFHFVCYVFQ